The following is an entry in ClinVar:

ClinVar aggregate classification (germline): Benign (0 of 4 stars; one submission).

Conditions:
NEO1-related disorder. Also called: NEO1-related condition.

Allele frequency attached by ClinVar (database versions not stated): ESP Exome Variant Server 0.00038; gnomAD exomes 0.00061; TOPMed 0.00088; gnomAD 0.00090; ExAC 0.00170; 1000 Genomes Project 30x 0.00390; 1000 Genomes Project 0.00439.
gnomAD v4.1: 1,109 of 1,614,068 alleles (0.069%); highest among the groups gnomAD compares: East Asian, 2.1%; 10 homozygotes.

Submission:

PreventionGenetics, part of Exact Sciences
Classification: Benign for NEO1-related condition. Last evaluated: 2019-10-21. Review status: no assertion criteria provided. Collection method: clinical testing. Allele origin: germline.
Comment: This variant is classified as benign based on ACMG/AMP sequence variant interpretation guidelines (Richards et al. 2015 PMID: 25741868, with internal and published modifications).

NM_002499.4(NEO1):c.471A>G (p.Gln157=)

Gene: NEO1 (neogenin 1; plus strand). Cytogenetic location: 15q24.1.
Variant type: single nucleotide variant.
Coding change: c.471A>G on transcript NM_002499.4 (MANE Select); coding-DNA position 471, A replaced by G.
Protein change: p.Gln157=; no amino-acid change (glutamine 157 retained).
Molecular consequence: synonymous variant.
Genome position (GRCh38, 1-based): chr15:73,122,547, A>G. VCF-style: chr15-73122547-A-G. GRCh37 (hg19) VCF-style: chr15-73414888-A-G.
Other names: c.471A>G, p.Gln157= (NM_001172623.2, NM_001172624.2, NM_001419531.1).
Identifiers: ClinVar variation 3042512 (VCV003042512.2), dbSNP rs144328581, ClinGen allele CA7647646.